The following is an entry in ClinVar:

NM_000455.5(STK11):c.730A>C (p.Thr244Pro)

Gene: STK11 (serine/threonine kinase 11; plus strand). Cytogenetic location: 19p13.3.
Variant type: single nucleotide variant.
Coding change: c.730A>C on transcript NM_000455.5 (MANE Select); coding-DNA position 730, A replaced by C.
Protein change: p.Thr244Pro; replaces threonine 244 with proline.
Molecular consequence: missense variant.
Genome position (GRCh38, 1-based): chr19:1,220,713, A>C. VCF-style: chr19-1220713-A-C. GRCh37 (hg19) VCF-style: chr19-1220712-A-C.
Other names: short protein forms T244P.
Identifiers: ClinVar variation 577477 (VCV000577477.9), dbSNP rs1568708396, ClinGen allele CA402949986.
Genomic context (GRCh38, chr19:1,220,713, plus strand): 5'-ATTGCCAACGGCCTGGACACCTTCTCCGGCTTCAAGGTGGACATCTGGTCGGCTGGGGTC[A>C]CCCTGTAAGTGCCCCGCCCCCCCGGGCACTCACCACACGCACACTCCGAGGGGCCTCTGC-3'
Protein context (NP_000446.1, residues 234-254): FKVDIWSAGV[Thr244Pro]LYNITTGLYP

ClinVar aggregate classification (germline): Uncertain significance. Review status: criteria provided, multiple submitters, no conflicts (2 of 4 stars). 3 submissions from 2 submitters: Uncertain significance (3). Last evaluated 2025-08-12.

Conditions:
Peutz-Jeghers syndrome (PJS). Also called: POLYPOSIS, HAMARTOMATOUS INTESTINAL; POLYPS-AND-SPOTS SYNDROME; Peutz-Jeghers polyposis; Periorificial lentiginosis syndrome. Identifiers: Orphanet 2869, MedGen C0031269, MeSH D010580, MONDO:0008280, OMIM 175200.
Pigmentary skin disorders.

Submissions (3):

Genetics Laboratory, Great Ormond Street Hospital NHS Foundation Trust, North Thames Genomic Laboratory Hub
Classification: Uncertain significance for Peutz Jeghers Syndrome. Last evaluated: 2025-08-12. Review status: criteria provided, single submitter. Criteria: CanVIG Consensus Spec V3.0. Collection method: clinical testing. Allele origin: germline. Affected: yes.
Comment: PM2_moderate, PP3_supporting, PP4_supporting

Genetics Laboratory, Great Ormond Street Hospital NHS Foundation Trust, North Thames Genomic Laboratory Hub
Classification: Uncertain significance for Pigmentary skin disorders. Last evaluated: 2025-08-12. Review status: criteria provided, single submitter. Criteria: CanVIG Consensus Spec V3.0. Collection method: clinical testing. Allele origin: germline. Affected: yes.
Comment: the same text as in the submission from Genetics Laboratory, Great Ormond Street Hospital NHS Foundation Trust, North Thames Genomic Laboratory Hub above.

Labcorp Genetics (formerly Invitae), Labcorp
Classification: Uncertain significance for Peutz-Jeghers syndrome. Last evaluated: 2018-01-23. Review status: criteria provided, single submitter. Criteria: Invitae Variant Classification Sherloc (09022015). Collection method: clinical testing. Allele origin: germline.
Comment: This sequence change replaces threonine with proline at codon 244 of the STK11 protein (p.Thr244Pro). The threonine residue is highly conserved and there is a small physicochemical difference between threonine and proline. This variant is not present in population databases (ExAC no frequency). This variant has not been reported in the literature in individuals with STK11-related disease. Algorithms developed to predict the effect of missense changes on protein structure and function (SIFT, PolyPhen-2, Align-GVGD) all suggest that this variant is likely to be disruptive, but these predictions have not been confirmed by published functional studies and their clinical significance is uncertain. In summary, the available evidence is currently insufficient to determine the role of this variant in disease. Therefore, it has been classified as a Variant of Uncertain Significance.